The following is an entry in ClinVar:

NM_032043.3(BRIP1):c.3072del (p.Ser1025fs)

Gene: BRIP1 (BRCA1 interacting DNA helicase 1; minus strand). Cytogenetic location: 17q23.2.
Variant type: Deletion.
Coding change: c.3072del on transcript NM_032043.3 (MANE Select); coding-DNA position 3072, one base deleted (G; older notation c.3072delG).
Protein change: p.Ser1025fs; shifts the reading frame from serine 1025.
Molecular consequence: frameshift variant.
Genome position (GRCh38, 1-based): chr17:61,683,974, C deleted on the plus strand (G on the coding strand, the reverse complement: BRIP1 is on the minus strand); the first of 3 consecutive C bases (chr17:61,683,974-61,683,976); deleting any one gives the same sequence. VCF-style (leftmost placement, unchanged base first): chr17-61683973-AC-A. GRCh37 (hg19) VCF-style: chr17-59761334-AC-A.
Other names: c.3072delG (NM_032043.2); short protein forms S1025fs.
Identifiers: ClinVar variation 461045 (VCV000461045.46), dbSNP rs1342519012, ClinGen allele CA627146471.

ClinVar aggregate classification (germline): Conflicting classifications of pathogenicity. Review status: criteria provided, conflicting classifications (1 of 4 stars). 8 submissions from 8 submitters: Likely pathogenic (4); Uncertain significance (2). 2 of the submissions do not count toward it. Last evaluated 2025-07-17.

Conditions:
Gastric cancer. Also called: Stomach cancer; Malignant tumor of stomach. Identifiers: MedGen C0024623, MeSH D013274, MONDO:0001056, OMIM 613659, HP:0012126.
Fanconi anemia complementation group J. Also called: BRIP1-Related Fanconi Anemia. Identifiers: Orphanet 84, MedGen C1836860, MONDO:0012187, OMIM 609054.
Familial cancer of breast. Also called: hereditary breast carcinoma; BREAST CANCER, FAMILIAL; Hereditary breast cancer. Identifiers: Orphanet 227535, MedGen C0346153, MONDO:0016419, OMIM 114480. Disease mechanism: loss of function.
Hereditary cancer-predisposing syndrome. Also called: Hereditary neoplastic syndrome; Tumor predisposition; Neoplastic Syndromes, Hereditary; Hereditary Cancer Syndrome. Identifiers: Orphanet 140162, MedGen C0027672, MeSH D009386, MONDO:0015356.
Hereditary breast ovarian cancer syndrome. Also called: Hereditary breast and ovarian cancer syndrome; Hereditary breast and ovarian cancer syndrome (HBOC); Hereditary breast and ovarian cancer; Breast and ovarian cancer; BRCA1- and BRCA2-Associated Hereditary Breast and Ovarian Cancer; Hereditary breast and/or ovarian cancer syndrome. Identifiers: Orphanet 145, MedGen C0677776, MeSH D061325, MONDO:0003582. Disease mechanism: loss of function.

Submissions (8):

Labcorp Genetics (formerly Invitae), Labcorp
Classification: Uncertain significance for Familial cancer of breast; Fanconi anemia complementation group J. Last evaluated: 2025-07-17. Review status: criteria provided, single submitter. Criteria: Invitae Variant Classification Sherloc (09022015). Collection method: clinical testing. Allele origin: germline.
Comment: This sequence change creates a premature translational stop signal (p.Ser1025Hisfs*34) in the BRIP1 gene. While this is not anticipated to result in nonsense mediated decay, it is expected to disrupt the last 225 amino acid(s) of the BRIP1 protein. This variant is present in population databases (no rsID available, gnomAD 0.01%). This premature translational stop signal has been observed in individual(s) with gastric cancer, biliary tract cancer, and upper tract urothelial carcinoma (PMID: 25877891, 29752822, 36243179, 36630951). This variant is also known as p.G1024fs. ClinVar contains an entry for this variant (Variation ID: 461045). In summary, the available evidence is currently insufficient to determine the role of this variant in disease. Therefore, it has been classified as a Variant of Uncertain Significance.

Ambry Genetics
Classification: Uncertain significance for Hereditary cancer-predisposing syndrome. Last evaluated: 2025-04-25. Review status: criteria provided, single submitter. Criteria: Ambry Variant Classification Scheme 2023. Collection method: clinical testing. Allele origin: germline.
Comment: The c.3072delG variant, located in coding exon 19 of the BRIP1 gene, results from a deletion of one nucleotide at nucleotide position 3072, causing a translational frameshift with a predicted alternate stop codon (p.S1025Hfs*34). This stop codon occurs at the 3' terminus of BRIP1, is not expected to trigger nonsense-mediated mRNA decay, and removes the last 191 amino acids of the protein. The exact functional impact of these removed amino acids is unknown at this time. While the C-terminal region of the BRIP1 protein has been shown by structural, biochemical, and mutational analysis to be relevant for some aspects of BRIP1 protein function (Gong Z et al. Mol. Cell, 2010 Feb;37:438-46; Leung CC et al. J. Biol. Chem. 2011 Feb; 286(6):4292-301; Xie J et al. PLoS Genet. 2012 Jul; 8(7):e1002786), functional studies have shown that truncations in the 3' terminus of BRIP1 display normal function in response to intra-strand cross-linking agents (Calvo JA et al. Mol Cancer Res, 2021 Jun;19:1015-1025). In addition, 3' truncations in BRIP1 occurring upstream of this variant have been detected in the homozygous or compound heterozygous state in individuals with no reported features of BRIP1-related Fanconi Anemia (FA-J) (Ambry internal data). Based on the available evidence, the clinical significance of this variant remains unclear.

Color Diagnostics, LLC DBA Color Health
Classification: Likely pathogenic for Hereditary cancer-predisposing syndrome. Last evaluated: 2023-03-27. Review status: criteria provided, single submitter. Criteria: ACMG Guidelines, 2015. Collection method: clinical testing. Allele origin: germline.
Comment: This variant deletes 1 nucleotide in exon 20 of the BRIP1 gene, creating a frameshift at codon 1025 and premature translation stop signal at codon 1059 in the last coding exon. This mutant transcript is predicted to escape nonsense-mediated decay and be expressed as a truncated protein. This variant is predicted to truncate the carboxyl-terminus including domains involved in BRCA1-binding, DNA damage and replication stress responses and attenuation of DNA damage tolerance pathway in vitro (PMID: 11301010, 14983014, 20159562, 20173781, 22792074). This variant has been reported in individuals affected with breast cancer (PMID: 29752822, 34793666, 34897210), gastric cancer (PMID: 25877891), Peutz-Jeghers syndrome (PMID: 34754157), and upper tract urothelial carcinoma (PMID: 36630951). This variant has been identified in 2/251440 chromosomes in the general population by the Genome Aggregation Database (gnomAD). Loss of BRIP1 function is a known mechanism of disease. Based on the available evidence, this variant is classified as Likely Pathogenic.

Women's Health and Genetics/Laboratory Corporation of America, LabCorp
Classification: Likely pathogenic for Hereditary breast ovarian cancer syndrome. Last evaluated: 2022-10-06. Review status: criteria provided, single submitter. Criteria: LabCorp Variant Classification Summary - May 2015. Collection method: clinical testing. Allele origin: germline.
Comment: Variant summary: BRIP1 c.3072delG (p.Ser1025HisfsX34) results in a premature termination codon, predicted to cause a truncation of the encoded protein or absence of the protein due to nonsense mediated decay, which are commonly known mechanisms for disease. Truncations downstream of this position have been classified as likely pathogenic by our laboratory. The variant allele was found at a frequency of 8e-06 in 251440 control chromosomes (gnomAD). c.3072delG has been reported in the literature in individuals affected with Breast or Gastric Cancer (Jones_2015, Li_2018, Park_2021). These data indicate that the variant may be associated with disease. To our knowledge, no experimental evidence demonstrating an impact on protein function has been reported. Four ClinVar submitters (evaluation after 2014) cite the variant as uncertain significance (n=1), likely pathogenic (n=2) and pathogenic (n=1). Based on the evidence outlined above, the variant was classified as likely pathogenic.

Department of Pathology and Laboratory Medicine, Sinai Health System
Classification: Likely pathogenic for Hereditary breast ovarian cancer syndrome. Last evaluated: 2020-07-02. Review status: criteria provided, single submitter. Criteria: ACMG Guidelines, 2015. Collection method: clinical testing. Allele origin: germline. Affected: yes.

Juno Genomics, Hangzhou Juno Genomics, Inc
Classification: Likely pathogenic for Familial cancer of breast; Fanconi anemia complementation group J. Review status: criteria provided, single submitter. Criteria: ACMG Guidelines, 2015. Collection method: clinical testing. Allele origin: germline.
Comment: Absent from controls (or at extremely low frequency if recessive) in Genome Aggregation Database.;Null variant in a gene where loss of function (LOF) is a known mechanism of disease.;The prevalence of the variant in affected individuals is significantly increased compared to the prevalence in controls.

Laboratory for Genotyping Development, RIKEN
Classification: Pathogenic for Gastric cancer. Last evaluated: 2021-07-01. Review status: no assertion criteria provided. Collection method: research. Allele origin: germline. Not counted in ClinVar's aggregate classification.

Leiden Open Variation Database
Classification: Pathogenic. Last evaluated: 2019-08-13. Review status: no assertion criteria provided. Collection method: curation. Allele origin: germline. Affected: yes. Not counted in ClinVar's aggregate classification.
Comment: Curator: Arleen D. Auerbach. Submitter to LOVD: Yukihide Momozawa.

Literature cited by the submitters: PubMed 25877891 (cited by 4 submitters); PubMed 29752822 (cited by 4 submitters); PubMed 36243179 (cited by Labcorp Genetics (formerly Invitae), Labcorp); PubMed 36630951 (cited by Labcorp Genetics (formerly Invitae), Labcorp and Color Diagnostics, LLC DBA Color Health); PubMed 19339519 (cited by Ambry Genetics); PubMed 11301010 (cited by Color Diagnostics, LLC DBA Color Health); PubMed 14983014 (cited by Color Diagnostics, LLC DBA Color Health); PubMed 20159562 (cited by Color Diagnostics, LLC DBA Color Health and Department of Pathology and Laboratory Medicine, Sinai Health System); PubMed 20173781 (cited by Color Diagnostics, LLC DBA Color Health); PubMed 22792074 (cited by Color Diagnostics, LLC DBA Color Health); PubMed 34754157 (cited by Color Diagnostics, LLC DBA Color Health and Women's Health and Genetics/Laboratory Corporation of America, LabCorp); PubMed 34793666 (cited by Color Diagnostics, LLC DBA Color Health and Women's Health and Genetics/Laboratory Corporation of America, LabCorp); PubMed 34897210 (cited by Color Diagnostics, LLC DBA Color Health and Women's Health and Genetics/Laboratory Corporation of America, LabCorp); PubMed 29922827 (cited by Women's Health and Genetics/Laboratory Corporation of America, LabCorp); PubMed 31214711 (cited by 3 submitters); PubMed 30792206 (cited by Women's Health and Genetics/Laboratory Corporation of America, LabCorp); PubMed 33413596 (cited by Women's Health and Genetics/Laboratory Corporation of America, LabCorp); PubMed 34653963 (cited by Women's Health and Genetics/Laboratory Corporation of America, LabCorp); PubMed 21127055 (cited by Department of Pathology and Laboratory Medicine, Sinai Health System); PubMed 36988593 (cited by Laboratory for Genotyping Development, RIKEN).